The following is an entry in ClinVar:

ClinVar aggregate classification (germline): Uncertain significance (1 of 4 stars; one submission).

Conditions:
Deficiency of butyryl-CoA dehydrogenase (ACADSD). Also called: SCADH DEFICIENCY; ACADS DEFICIENCY; Short-Chain Acyl-CoA Dehydrogenase Deficiency; SCAD Deficiency; SCAD DEFICIENCY, MILD; ACYL-CoA DEHYDROGENASE, SHORT-CHAIN, DEFICIENCY OF. Identifiers: Orphanet 26792, MedGen C0342783, MONDO:0008722, OMIM 201470. Disease mechanism: May be benign.

Allele frequency attached by ClinVar (database versions not stated): TOPMed 0.00004; gnomAD 0.00006; gnomAD exomes 0.00010 and 0.00014; ExAC 0.00028.
gnomAD v4.1: 144 of 1,553,114 alleles (0.0093%); highest among the groups gnomAD compares: Non-Finnish European, 0.012%; no homozygotes.

Submission:

Labcorp Genetics (formerly Invitae), Labcorp
Classification: Uncertain significance for Deficiency of butyryl-CoA dehydrogenase. Last evaluated: 2025-12-03. Review status: criteria provided, single submitter. Criteria: Invitae Variant Classification Sherloc (09022015). Collection method: clinical testing. Allele origin: germline.
Comment: This sequence change replaces arginine, which is basic and polar, with glycine, which is neutral and non-polar, at codon 14 of the ACADS protein (p.Arg14Gly). This variant is present in population databases (rs542140065, gnomAD 0.03%). This variant has not been reported in the literature in individuals affected with ACADS-related conditions. ClinVar contains an entry for this variant (Variation ID: 649343). Invitae Evidence Modeling of protein sequence and biophysical properties (such as structural, functional, and spatial information, amino acid conservation, physicochemical variation, residue mobility, and thermodynamic stability) indicates that this missense variant is expected to disrupt ACADS protein function with a positive predictive value of 95%. In summary, the available evidence is currently insufficient to determine the role of this variant in disease. Therefore, it has been classified as a Variant of Uncertain Significance.

NM_000017.4(ACADS):c.40C>G (p.Arg14Gly)

Gene: ACADS (acyl-CoA dehydrogenase short chain; plus strand). Cytogenetic location: 12q24.31.
Variant type: single nucleotide variant.
Coding change: c.40C>G on transcript NM_000017.4 (MANE Select); coding-DNA position 40, C replaced by G.
Protein change: p.Arg14Gly; replaces arginine 14 with glycine.
Molecular consequence: missense variant.
Genome position (GRCh38, 1-based): chr12:120,725,925, C>G. VCF-style: chr12-120725925-C-G. GRCh37 (hg19) VCF-style: chr12-121163728-C-G.
Other names: c.40C>G, p.Arg14Gly (NM_001302554.2); short protein forms R14G.
Identifiers: ClinVar variation 649343 (VCV000649343.5), dbSNP rs542140065, ClinGen allele CA6830733.